The following is an entry in ClinVar:

ClinVar aggregate classification (germline): Likely benign (0 of 4 stars; one submission).

Conditions:
XPO5-related disorder. Also called: XPO5-related condition.

Allele frequency attached by ClinVar (database versions not stated): ExAC 0.00001.
gnomAD v4.1: 5 of 1,607,516 alleles (0.00031%); highest among the groups gnomAD compares: Non-Finnish European, 0.00025%; no homozygotes.

Submission:

PreventionGenetics, part of Exact Sciences
Classification: Likely benign for XPO5-related condition. Last evaluated: 2021-06-04. Review status: no assertion criteria provided. Collection method: clinical testing. Allele origin: germline.
Comment: This variant is classified as likely benign based on ACMG/AMP sequence variant interpretation guidelines (Richards et al. 2015 PMID: 25741868, with internal and published modifications).

NM_020750.3(XPO5):c.2334G>T (p.Ala778=)

Genes: XPO5 (exportin 5; minus strand), POLR1C (RNA polymerase I and III subunit C; plus strand). Cytogenetic location: 6p21.1.
Variant type: single nucleotide variant.
Coding change: c.2334G>T on transcript NM_020750.3 (MANE Select); coding-DNA position 2334, G replaced by T.
Protein change: p.Ala778=; no amino-acid change (alanine 778 retained).
Molecular consequence: synonymous variant. On other transcripts: non-coding transcript variant (1), intron variant (1).
Genome position (GRCh38, 1-based): chr6:43,546,579, C>A on the plus strand (G>T on the coding strand, the complement: XPO5 is on the minus strand). VCF-style: chr6-43546579-C-A. GRCh37 (hg19) VCF-style: chr6-43514316-C-A.
Other names: c.923-4389C>A (NM_001363658.2).
Identifiers: ClinVar variation 3058633 (VCV003058633.2), dbSNP rs745435024, ClinGen allele CA3826183.